The following is an entry in ClinVar:

NM_032447.5(FBN3):c.2827A>C (p.Ile943Leu)

Gene: FBN3 (fibrillin 3; minus strand). Cytogenetic location: 19p13.2.
Variant type: single nucleotide variant.
Coding change: c.2827A>C on transcript NM_032447.5 (MANE Select); coding-DNA position 2827, A replaced by C.
Protein change: p.Ile943Leu; replaces isoleucine 943 with leucine.
Molecular consequence: missense variant.
Genome position (GRCh38, 1-based): chr19:8,123,913, T>G on the plus strand (A>C on the coding strand, the complement: FBN3 is on the minus strand). VCF-style: chr19-8123913-T-G. GRCh37 (hg19) VCF-style: chr19-8188797-T-G.
Other names: c.2827A>C, p.Ile943Leu (NM_001321431.2); c.2827A>C (NM_032447.3); short protein forms I943L.
Identifiers: ClinVar variation 1446275 (VCV001446275.8), dbSNP rs759987305, ClinGen allele CA9152699.

ClinVar aggregate classification (germline): Uncertain significance. Review status: criteria provided, multiple submitters, no conflicts (2 of 4 stars). 2 submissions from 2 submitters: Uncertain significance (2). Last evaluated 2025-12-08.

Allele frequency attached by ClinVar (database versions not stated): gnomAD 0.00003; ExAC 0.00005; gnomAD exomes 0.00009.
gnomAD v4.1: 48 of 1,613,794 alleles (0.003%); highest among the groups gnomAD compares: Admixed American, 0.073%; 1 homozygote.

Submissions (2):

Ambry Genetics
Classification: Uncertain significance. Last evaluated: 2025-12-08. Review status: criteria provided, single submitter. Criteria: Ambry Variant Classification Scheme 2023. Collection method: clinical testing. Allele origin: germline.

Labcorp Genetics (formerly Invitae), Labcorp
Classification: Uncertain significance. Last evaluated: 2025-11-19. Review status: criteria provided, single submitter. Criteria: Invitae Variant Classification Sherloc (09022015). Collection method: clinical testing. Allele origin: germline.
Comment: This sequence change replaces isoleucine, which is neutral and non-polar, with leucine, which is neutral and non-polar, at codon 943 of the FBN3 protein (p.Ile943Leu). This variant is present in population databases (rs759987305, gnomAD 0.07%), and has an allele count higher than expected for a pathogenic variant. This variant has not been reported in the literature in individuals affected with FBN3-related conditions. ClinVar contains an entry for this variant (Variation ID: 1446275). Invitae Evidence Modeling of protein sequence and biophysical properties (such as structural, functional, and spatial information, amino acid conservation, physicochemical variation, residue mobility, and thermodynamic stability) indicates that this missense variant is not expected to disrupt FBN3 protein function with a negative predictive value of 80%. In summary, the available evidence is currently insufficient to determine the role of this variant in disease. Therefore, it has been classified as a Variant of Uncertain Significance.